The following is an entry in ClinVar:

NM_001375524.1(TRRAP):c.1438G>A (p.Val480Met)

Gene: TRRAP (transformation/transcription domain associated protein; plus strand). Cytogenetic location: 7q22.1.
Variant type: single nucleotide variant.
Coding change: c.1438G>A on transcript NM_001375524.1 (MANE Select); coding-DNA position 1438, G replaced by A.
Protein change: p.Val480Met; replaces valine 480 with methionine.
Molecular consequence: missense variant.
Genome position (GRCh38, 1-based): chr7:98,910,143, G>A. VCF-style: chr7-98910143-G-A. GRCh37 (hg19) VCF-style: chr7-98507766-G-A.
Other names: c.1438G>A, p.Val480Met (NM_001244580.2, NM_003496.4); c.1438G>A (NM_001244580.1, NM_003496.3); short protein forms V480M.
Identifiers: ClinVar variation 2889367 (VCV002889367.5), dbSNP rs143892218, ClinGen allele CA4359515.

ClinVar aggregate classification (germline): Conflicting classifications of pathogenicity. Review status: criteria provided, conflicting classifications (1 of 4 stars). 3 submissions from 3 submitters: Uncertain significance (1); Likely benign (2). Last evaluated 2026-07-11.

Conditions:
Inborn genetic diseases. Identifiers: MedGen C0950123, MeSH D030342.
TRRAP-related disorder. Also called: TRRAP-related condition.

Allele frequency attached by ClinVar (database versions not stated): TOPMed 0.00004; gnomAD 0.00005; ExAC 0.00008; ESP Exome Variant Server 0.00008.
gnomAD v4.1: 82 of 1,612,098 alleles (0.0051%); highest among the groups gnomAD compares: East Asian, 0.022%; no homozygotes.

Submissions (3):

PreventionGenetics, part of Exact Sciences
Classification: Likely benign for TRRAP-related condition. Last evaluated: 2026-07-11. Review status: criteria provided, single submitter. Criteria: ACMG Guidelines, 2015. Collection method: clinical testing. Allele origin: germline.
Comment: This variant is classified as likely benign based on ACMG/AMP sequence variant interpretation guidelines (Richards et al. 2015 PMID: 25741868, with internal and published modifications).

Labcorp Genetics (formerly Invitae), Labcorp
Classification: Uncertain significance. Last evaluated: 2025-02-25. Review status: criteria provided, single submitter. Criteria: Invitae Variant Classification Sherloc (09022015). Collection method: clinical testing. Allele origin: germline.
Comment: This sequence change replaces valine, which is neutral and non-polar, with methionine, which is neutral and non-polar, at codon 480 of the TRRAP protein (p.Val480Met). This variant is present in population databases (rs143892218, gnomAD 0.07%), and has an allele count higher than expected for a pathogenic variant. This variant has not been reported in the literature in individuals affected with TRRAP-related conditions. ClinVar contains an entry for this variant (Variation ID: 2889367). Invitae Evidence Modeling of protein sequence and biophysical properties (such as structural, functional, and spatial information, amino acid conservation, physicochemical variation, residue mobility, and thermodynamic stability) indicates that this missense variant is not expected to disrupt TRRAP protein function with a negative predictive value of 80%. In summary, the available evidence is currently insufficient to determine the role of this variant in disease. Therefore, it has been classified as a Variant of Uncertain Significance.

Ambry Genetics
Classification: Likely benign for Inborn genetic diseases. Last evaluated: 2021-07-13. Review status: criteria provided, single submitter. Criteria: Ambry Variant Classification Scheme 2023. Collection method: clinical testing. Allele origin: germline.